The following is an entry in ClinVar:

ClinVar aggregate classification (germline): Uncertain significance (1 of 4 stars; one submission).

Submission:

Mayo Clinic Laboratories, Mayo Clinic
Classification: Uncertain significance. Last evaluated: 2023-02-10. Review status: criteria provided, single submitter. Criteria: ACMG Guidelines, 2015. Collection method: clinical testing. Allele origin: germline. Observed: 1 variant allele.
Comment: PM2

NM_033409.4(SLC52A3):c.32_33delinsCT (p.Val11Ala)

Gene: SLC52A3 (solute carrier family 52 member 3; minus strand). Cytogenetic location: 20p13.
Variant type: Indel.
Coding change: c.32_33delinsCT on transcript NM_033409.4 (MANE Select); coding-DNA positions 32 to 33, TC replaced by CT.
Protein change: p.Val11Ala; replaces valine 11 with alanine.
Molecular consequence: missense variant.
Genome position (GRCh38, 1-based): chr20:765,742-765,743, GA replaced by AG on the plus strand (TC replaced by CT on the coding strand, the reverse complement: SLC52A3 is on the minus strand). VCF-style: chr20-765742-GA-AG. GRCh37 (hg19) VCF-style: chr20-746386-GA-AG.
Other names: p.Val11Ala; c.32_33delinsCT, p.Val11Ala (NM_001370085.1, NM_001370086.1); short protein forms V11A.
Identifiers: ClinVar variation 2683525 (VCV002683525.1), dbSNP rs2514853418, ClinGen allele CA2697547263.